The following is an entry in ClinVar:

NM_000059.4(BRCA2):c.8552C>T (p.Ala2851Val)

Gene: BRCA2 (BRCA2 DNA repair associated; plus strand). Cytogenetic location: 13q13.1.
Variant type: single nucleotide variant.
Coding change: c.8552C>T on transcript NM_000059.4 (MANE Select); coding-DNA position 8552, C replaced by T.
Protein change: p.Ala2851Val; replaces alanine 2851 with valine.
Molecular consequence: missense variant.
Genome position (GRCh38, 1-based): chr13:32,371,020, C>T. VCF-style: chr13-32371020-C-T. GRCh37 (hg19) VCF-style: chr13-32945157-C-T.
Other names: short protein forms A2851V.
Identifiers: ClinVar variation 233185 (VCV000233185.7), dbSNP rs876660247, ClinGen allele CA10579794.

ClinVar aggregate classification (germline): Conflicting classifications of pathogenicity. Review status: criteria provided, conflicting classifications (1 of 4 stars). 3 submissions from 3 submitters: Uncertain significance (2); Likely benign (1). Last evaluated 2025-12-31.

Conditions:
Hereditary cancer-predisposing syndrome. Also called: Neoplastic Syndromes, Hereditary; Tumor predisposition; Hereditary Cancer Syndrome; Hereditary neoplastic syndrome. Identifiers: Orphanet 140162, MedGen C0027672, MeSH D009386, MONDO:0015356.
Hereditary breast ovarian cancer syndrome. Also called: Hereditary breast and ovarian cancer syndrome; BRCA1- and BRCA2-Associated Hereditary Breast and Ovarian Cancer; Breast and ovarian cancer; Hereditary breast and/or ovarian cancer syndrome; Hereditary breast and ovarian cancer; Hereditary breast and ovarian cancer syndrome (HBOC). Identifiers: Orphanet 145, MedGen C0677776, MeSH D061325, MONDO:0003582. Disease mechanism: loss of function.

Submissions (3):

Labcorp Genetics (formerly Invitae), Labcorp
Classification: Uncertain significance for Hereditary breast ovarian cancer syndrome. Last evaluated: 2025-12-31. Review status: criteria provided, single submitter. Criteria: Invitae Variant Classification Sherloc (09022015). Collection method: clinical testing. Allele origin: germline.
Comment: This sequence change replaces alanine, which is neutral and non-polar, with valine, which is neutral and non-polar, at codon 2851 of the BRCA2 protein (p.Ala2851Val). This variant is not present in population databases (gnomAD no frequency). This variant has not been reported in the literature in individuals affected with BRCA2-related conditions. ClinVar contains an entry for this variant (Variation ID: 233185). Invitae Evidence Modeling incorporating data from in vitro experimental studies (PMID: 33609447) indicates that this missense variant is not expected to disrupt BRCA2 function with a negative predictive value of 95%. Experimental studies have shown that this missense change does not substantially affect BRCA2 function (PMID: 29394989). In summary, the available evidence is currently insufficient to determine the role of this variant in disease. Therefore, it has been classified as a Variant of Uncertain Significance.

Quest Diagnostics Nichols Institute San Juan Capistrano
Classification: Uncertain significance. Last evaluated: 2025-07-11. Review status: criteria provided, single submitter. Criteria: Quest Diagnostics criteria. Collection method: clinical testing. Allele origin: unknown.
Comment: The BRCA2 c.8552C>T (p.Ala2851Val) variant has been reported in the published literature in an individual/family affected with a BRCA2-associated cancer (PMID: 31853058 (2020)). Functional studies have reported that this variant retains BRCA2 activity in homology directed DNA repair (HDR) (PMID: 29394989 (2018), 33691754 (2021), 38417439 (2024), 39779848 (2025), 39779857 (2025)). This variant has not been reported in large, multi-ethnic general populations (Genome Aggregation Database). Based on the available information, we are unable to determine the clinical significance of this variant.

Ambry Genetics
Classification: Likely benign for Hereditary cancer-predisposing syndrome. Last evaluated: 2020-02-12. Review status: criteria provided, single submitter. Criteria: Ambry Variant Classification Scheme 2023. Collection method: clinical testing. Allele origin: germline.

Literature cited by the submitters: PubMed 33609447 (cited by Labcorp Genetics (formerly Invitae), Labcorp and Quest Diagnostics Nichols Institute San Juan Capistrano); PubMed 29394989 (cited by 3 submitters); PubMed 38417439 (cited by Quest Diagnostics Nichols Institute San Juan Capistrano); PubMed 29884841 (cited by Quest Diagnostics Nichols Institute San Juan Capistrano); PubMed 29988080 (cited by Quest Diagnostics Nichols Institute San Juan Capistrano); PubMed 31853058 (cited by Quest Diagnostics Nichols Institute San Juan Capistrano); PubMed 33691754 (cited by Quest Diagnostics Nichols Institute San Juan Capistrano); PubMed 35665744 (cited by Quest Diagnostics Nichols Institute San Juan Capistrano); PubMed 35729312 (cited by Quest Diagnostics Nichols Institute San Juan Capistrano); PubMed 39779857 (cited by Quest Diagnostics Nichols Institute San Juan Capistrano); PubMed 39779848 (cited by Quest Diagnostics Nichols Institute San Juan Capistrano); PubMed 35979650 (cited by Quest Diagnostics Nichols Institute San Juan Capistrano).